The following is an entry in ClinVar:

ClinVar aggregate classification (germline): Uncertain significance (1 of 4 stars; one submission).

Allele frequency attached by ClinVar (database versions not stated): gnomAD exomes below 0.00001; ExAC 0.00001.
gnomAD v4.1: 1 of 1,559,912 alleles (0.000064%); highest among the groups gnomAD compares: Non-Finnish European, 0.000087%; no homozygotes.

Submission:

Labcorp Genetics (formerly Invitae), Labcorp
Classification: Uncertain significance. Last evaluated: 2024-06-24. Review status: criteria provided, single submitter. Criteria: Invitae Variant Classification Sherloc (09022015). Collection method: clinical testing. Allele origin: germline.
Comment: This sequence change replaces phenylalanine, which is neutral and non-polar, with leucine, which is neutral and non-polar, at codon 592 of the MTOR protein (p.Phe592Leu). This variant is present in population databases (rs773960048, gnomAD 0.001%). This variant has not been reported in the literature in individuals affected with MTOR-related conditions. ClinVar contains an entry for this variant (Variation ID: 2095661). Advanced modeling of protein sequence and biophysical properties (such as structural, functional, and spatial information, amino acid conservation, physicochemical variation, residue mobility, and thermodynamic stability) performed at Invitae indicates that this missense variant is not expected to disrupt MTOR protein function with a negative predictive value of 95%. In summary, the available evidence is currently insufficient to determine the role of this variant in disease. Therefore, it has been classified as a Variant of Uncertain Significance.

NM_004958.4(MTOR):c.1774T>C (p.Phe592Leu)

Gene: MTOR (mechanistic target of rapamycin kinase; minus strand). Cytogenetic location: 1p36.22.
Variant type: single nucleotide variant.
Coding change: c.1774T>C on transcript NM_004958.4 (MANE Select); coding-DNA position 1774, T replaced by C.
Protein change: p.Phe592Leu; replaces phenylalanine 592 with leucine.
Molecular consequence: missense variant.
Genome position (GRCh38, 1-based): chr1:11,240,315, A>G on the plus strand (T>C on the coding strand, the complement: MTOR is on the minus strand). VCF-style: chr1-11240315-A-G. GRCh37 (hg19) VCF-style: chr1-11300372-A-G.
Other names: c.1774T>C, p.Phe592Leu (NM_001386500.1); c.526T>C, p.Phe176Leu (NM_001386501.1); short protein forms F176L, F592L.
Identifiers: ClinVar variation 2095661 (VCV002095661.4), dbSNP rs773960048, ClinGen allele CA590652.
Genomic context (GRCh38, chr1:11,240,315, plus strand): 5'-TTTCCAGCATCTCTCACTATCTTGGCAAGAGCCGTTGTAATTTCTTACCTTCAAATTCAA[A>G]GCTGCCAAGCGTTCGGAGGGCAAGAGTGATGCTGCCCACATCGCTGGCCTCAGGGAGGGT-3'
Protein context (NP_004949.1, residues 582-602): ITLALRTLGS[Phe592Leu]EFEGHSLTQF